The following is an entry in ClinVar:

ClinVar aggregate classification (germline): Likely pathogenic (1 of 4 stars; one submission).

Conditions:
Glycogen storage disease type III (GSD3). Also called: Cori disease; FORBES DISEASE. Identifiers: Orphanet 366, MedGen C0017922, MONDO:0009291, OMIM 232400.

Submission:

Labcorp Genetics (formerly Invitae), Labcorp
Classification: Likely pathogenic for Glycogen storage disease type III. Last evaluated: 2023-07-30. Review status: criteria provided, single submitter. Criteria: Invitae Variant Classification Sherloc (09022015). Collection method: clinical testing. Allele origin: germline.
Comment: In summary, the currently available evidence indicates that the variant is pathogenic, but additional data are needed to prove that conclusively. Therefore, this variant has been classified as Likely Pathogenic. Algorithms developed to predict the effect of sequence changes on RNA splicing suggest that this variant may disrupt the consensus splice site. This variant has not been reported in the literature in individuals affected with AGL-related conditions. This variant is not present in population databases (gnomAD no frequency). This sequence change affects a donor splice site in intron 2 of the AGL gene. It is expected to disrupt RNA splicing. Variants that disrupt the donor or acceptor splice site typically lead to a loss of protein function (PMID: 16199547), and loss-of-function variants in AGL are known to be pathogenic (PMID: 19299494).

Literature cited by the submitters: PubMed 16199547; PubMed 19299494.

NM_000642.3(AGL):c.82+2T>G

Gene: AGL (amylo-alpha-1,6-glucosidase and 4-alpha-glucanotransferase; plus strand). Cytogenetic location: 1p21.2.
Variant type: single nucleotide variant.
Coding change: c.82+2T>G on transcript NM_000642.3 (MANE Select); the canonical splice donor site of the intron after coding-DNA position 82, T replaced by G.
Molecular consequence: splice donor variant.
Genome position (GRCh38, 1-based): chr1:99,851,126, T>G. VCF-style: chr1-99851126-T-G. GRCh37 (hg19) VCF-style: chr1-100316682-T-G.
Other names: c.82+2T>G (NM_000028.3, NM_000643.3, NM_000644.3 and 6 more transcripts); c.-110+2T>G (NM_000646.3).
Identifiers: ClinVar variation 2746426 (VCV002746426.3), dbSNP rs2524407451, ClinGen allele CA341323924.
Genomic context (GRCh38, chr1:99,851,126, plus strand): 5'-AATTTTACTTCTGAACGAAATGGAGAAACTGGAAAAGACCCTCTTCAGACTTGAACAAGG[T>G]CAGTAGCAAGTTGTTTTGATTTGCTCATTTGCGTCTTTTAAACTTTTAATTCATTGGCAG-3'